The following is an entry in ClinVar:

NM_002972.4(SBF1):c.5137C>T (p.Arg1713Trp)

Gene: SBF1 (SET binding factor 1; minus strand). Cytogenetic location: 22q13.33.
Variant type: single nucleotide variant.
Coding change: c.5137C>T on transcript NM_002972.4 (MANE Select); coding-DNA position 5137, C replaced by T.
Protein change: p.Arg1713Trp; replaces arginine 1713 with tryptophan.
Molecular consequence: missense variant.
Genome position (GRCh38, 1-based): chr22:50,448,557, G>A on the plus strand (C>T on the coding strand, the complement: SBF1 is on the minus strand). VCF-style: chr22-50448557-G-A. GRCh37 (hg19) VCF-style: chr22-50886986-G-A.
Other names: c.5062C>T, p.Arg1688Trp (NM_001365819.1); c.5137C>T (NM_002972.2); short protein forms R1688W, R1713W.
Identifiers: ClinVar variation 1461975 (VCV001461975.4), dbSNP rs762047021, ClinGen allele CA10315983.

ClinVar aggregate classification (germline): Uncertain significance. Review status: criteria provided, multiple submitters, no conflicts (2 of 4 stars). 2 submissions from 2 submitters: Uncertain significance (2). Last evaluated 2024-08-10.

Allele frequency attached by ClinVar (database versions not stated): TOPMed 0.00001; gnomAD 0.00002; gnomAD exomes 0.00002; ExAC 0.00003.

Submissions (2):

Ambry Genetics
Classification: Uncertain significance. Last evaluated: 2024-08-10. Review status: criteria provided, single submitter. Criteria: Ambry Variant Classification Scheme 2023. Collection method: clinical testing. Allele origin: germline.

Labcorp Genetics (formerly Invitae), Labcorp
Classification: Uncertain significance. Last evaluated: 2021-12-02. Review status: criteria provided, single submitter. Criteria: Invitae Variant Classification Sherloc (09022015). Collection method: clinical testing. Allele origin: germline.
Comment: This sequence change replaces arginine, which is basic and polar, with tryptophan, which is neutral and slightly polar, at codon 1713 of the SBF1 protein (p.Arg1713Trp). This variant is present in population databases (rs762047021, gnomAD 0.004%). This variant has not been reported in the literature in individuals affected with SBF1-related conditions. Algorithms developed to predict the effect of missense changes on protein structure and function are either unavailable or do not agree on the potential impact of this missense change (SIFT: "Deleterious"; PolyPhen-2: "Probably Damaging"; Align-GVGD: "Class C0"). In summary, the available evidence is currently insufficient to determine the role of this variant in disease. Therefore, it has been classified as a Variant of Uncertain Significance.